The following is an entry in ClinVar:

ClinVar aggregate classification (germline): Pathogenic (1 of 4 stars; one submission).

Allele frequency attached by ClinVar (database versions not stated): ExAC 0.00001; gnomAD exomes below 0.00001.
gnomAD v4.1: 1 of 1,612,698 alleles (0.000062%); highest among the groups gnomAD compares: Non-Finnish European, 0.000085%; no homozygotes.

Submission:

Labcorp Genetics (formerly Invitae), Labcorp
Classification: Pathogenic. Last evaluated: 2021-08-11. Review status: criteria provided, single submitter. Criteria: Invitae Variant Classification Sherloc (09022015). Collection method: clinical testing. Allele origin: germline.
Comment: This sequence change creates a premature translational stop signal (p.Arg143*) in the CHUK gene. It is expected to result in an absent or disrupted protein product. Loss-of-function variants in CHUK are known to be pathogenic (PMID: 20961246, 25691407, 29523099). This variant is present in population databases (rs769592752, ExAC 0.01%). This variant has not been reported in the literature in individuals affected with CHUK-related conditions. For these reasons, this variant has been classified as Pathogenic.

Literature cited by the submitters: PubMed 20961246; PubMed 25691407; PubMed 29523099.

NM_001278.5(CHUK):c.427C>T (p.Arg143Ter)

Gene: CHUK (component of inhibitor of nuclear factor kappa B kinase complex; minus strand). Cytogenetic location: 10q24.31.
Variant type: single nucleotide variant.
Coding change: c.427C>T on transcript NM_001278.5 (MANE Select); coding-DNA position 427, C replaced by T.
Protein change: p.Arg143Ter; replaces arginine 143 with a stop codon.
Molecular consequence: nonsense.
Genome position (GRCh38, 1-based): chr10:100,220,635, G>A on the plus strand (C>T on the coding strand, the complement: CHUK is on the minus strand). VCF-style: chr10-100220635-G-A. GRCh37 (hg19) VCF-style: chr10-101980392-G-A.
Other names: c.427C>T, p.Arg143Ter (NM_001320928.2); short protein forms R143*.
Identifiers: ClinVar variation 1391938 (VCV001391938.6), dbSNP rs769592752, ClinGen allele CA5646665.